The following is an entry in ClinVar:

NM_033641.4(COL4A6):c.18_38dup (p.Leu12_Cys13insTrpLeuLeuLeuValThrLeu)

Gene: COL4A6 (collagen type IV alpha 6 chain; minus strand). Cytogenetic location: Xq22.3.
Variant type: Duplication.
Coding change: c.18_38dup on transcript NM_033641.4 (MANE Select); coding-DNA positions 18 to 38, 21 bases duplicated (GCTGCTCCTGGTTACGTTGTG).
Protein change: p.Leu12_Cys13insTrpLeuLeuLeuValThrLeu.
Molecular consequence: inframe insertion.
Genome position (GRCh38, 1-based): chrX:108,437,967-108,437,987, CACAACGTAACCAGGAGCAGC duplicated on the plus strand (GCTGCTCCTGGTTACGTTGTG on the coding strand, the reverse complement: COL4A6 is on the minus strand); duplicating any 21 consecutive bases within chrX:108,437,967-108,437,993 gives the same sequence; the c. name uses the placement nearest the transcript's 3' end. VCF-style (leftmost placement, unchanged base first): chrX-108437966-G-GCACAACGTAACCAGGAGCAGC. GRCh37 (hg19) VCF-style: chrX-107681196-G-GCACAACGTAACCAGGAGCAGC.
Other names: c.18_38dup, p.Leu12_Cys13insTrpLeuLeuLeuValThrLeu (NM_001287758.2, NM_001287759.2, NM_001287760.2); c.21_41dup, p.Leu13_Cys14insTrpLeuLeuLeuValThrLeu (NM_001847.4).
Identifiers: ClinVar variation 2723369 (VCV002723369.3), dbSNP rs770406925, ClinGen allele CA10488292.
Genomic context (GRCh38, chrX:108,437,966, plus strand): 5'-GAGGGGGACGGAAAAGGGTCGTGAGAAGAGACTCACCGCTGCTGCCAGTTCCTCGGTCAG[G>GCACAACGTAACCAGGAGCAGC]CACAACGTAACCAGGAGCAGCCACAACCTGAAATGGGAGGGAGGGTGAGTAATGGGCTCT-3'

ClinVar aggregate classification (germline): Uncertain significance (1 of 4 stars; one submission).

Submission:

Labcorp Genetics (formerly Invitae), Labcorp
Classification: Uncertain significance. Last evaluated: 2023-04-23. Review status: criteria provided, single submitter. Criteria: Invitae Variant Classification Sherloc (09022015). Collection method: clinical testing. Allele origin: germline.
Comment: This variant, c.21_41dup, results in the insertion of 7 amino acid(s) of the COL4A6 protein (p.Trp7_Leu13dup), but otherwise preserves the integrity of the reading frame. This variant is present in population databases (rs770406925, gnomAD 0.008%). This variant has not been reported in the literature in individuals affected with COL4A6-related conditions. In summary, the available evidence is currently insufficient to determine the role of this variant in disease. Therefore, it has been classified as a Variant of Uncertain Significance.